The following is an entry in ClinVar:

ClinVar aggregate classification (germline): Uncertain significance (1 of 4 stars; one submission).

Conditions:
Severe combined immunodeficiency due to DNA-PKcs deficiency. Also called: IMMUNODEFICIENCY 26 WITH NEUROLOGIC ABNORMALITIES; Immunodeficiency 26 with or without neurologic abnormalities. Identifiers: Orphanet 317425, MedGen C4014833, MONDO:0014423, OMIM 615966.

Allele frequency attached by ClinVar (database versions not stated): ESP Exome Variant Server 0.00026; TOPMed 0.00039; 1000 Genomes Project 30x 0.00047; 1000 Genomes Project 0.00060.
gnomAD v4.1: 127 of 1,569,434 alleles (0.0081%); highest among the groups gnomAD compares: African/African-American, 0.15%; no homozygotes.

Submission:

Labcorp Genetics (formerly Invitae), Labcorp
Classification: Uncertain significance for Severe combined immunodeficiency due to DNA-PKcs deficiency. Last evaluated: 2025-01-13. Review status: criteria provided, single submitter. Criteria: Invitae Variant Classification Sherloc (09022015). Collection method: clinical testing. Allele origin: germline.
Comment: This sequence change replaces threonine, which is neutral and polar, with serine, which is neutral and polar, at codon 3635 of the PRKDC protein (p.Thr3635Ser). This variant is present in population databases (rs189885909, gnomAD 0.2%). This variant has not been reported in the literature in individuals affected with PRKDC-related conditions. ClinVar contains an entry for this variant (Variation ID: 644130). Experimental studies and prediction algorithms are not available or were not evaluated, and the functional significance of this variant is currently unknown. In summary, the available evidence is currently insufficient to determine the role of this variant in disease. Therefore, it has been classified as a Variant of Uncertain Significance.

NM_006904.7(PRKDC):c.10904C>G (p.Thr3635Ser)

Gene: PRKDC (protein kinase, DNA-activated, catalytic subunit; minus strand). Cytogenetic location: 8q11.21.
Variant type: single nucleotide variant.
Coding change: c.10904C>G on transcript NM_006904.7 (MANE Select); coding-DNA position 10904, C replaced by G.
Protein change: p.Thr3635Ser; replaces threonine 3635 with serine.
Molecular consequence: missense variant.
Genome position (GRCh38, 1-based): chr8:47,785,316, G>C on the plus strand (C>G on the coding strand, the complement: PRKDC is on the minus strand). VCF-style: chr8-47785316-G-C. GRCh37 (hg19) VCF-style: chr8-48697877-G-C.
Other names: c.10904C>G, p.Thr3635Ser (NM_001081640.2); short protein forms T3635S.
Identifiers: ClinVar variation 644130 (VCV000644130.7), dbSNP rs189885909, ClinGen allele CA4739218.